The following is an entry in ClinVar:

NM_001130987.2(DYSF):c.991G>C (p.Gly331Arg)

Gene: DYSF (dysferlin; plus strand). Cytogenetic location: 2p13.2.
Variant type: single nucleotide variant.
Coding change: c.991G>C on transcript NM_001130987.2 (MANE Select); coding-DNA position 991, G replaced by C.
Protein change: p.Gly331Arg; replaces glycine 331 with arginine.
Molecular consequence: missense variant.
Genome position (GRCh38, 1-based): chr2:71,517,028, G>C. VCF-style: chr2-71517028-G-C. GRCh37 (hg19) VCF-style: chr2-71744158-G-C.
Other names: NM_001130987.2(DYSF):c.991G>C; p.Gly331Arg; c.898G>C, p.Gly300Arg (NM_001130455.2, NM_001130983.2, NM_001130984.2 and 1 more transcripts); c.895G>C, p.Gly299Arg (NM_001130976.2, NM_001130977.2, NM_001130978.2 and 1 more transcripts); c.988G>C, p.Gly330Arg (NM_001130979.2, NM_001130980.2, NM_001130981.2); c.991G>C, p.Gly331Arg (NM_001130982.2, NM_001130985.2); short protein forms G299R, G300R, G330R, G331R.
Identifiers: ClinVar variation 837557 (VCV000837557.13), dbSNP rs121908963, ClinGen allele CA49761605.

ClinVar aggregate classification (germline): Pathogenic. Review status: reviewed by expert panel (3 of 4 stars). 3 submissions from 3 submitters: Pathogenic (1). 2 of the submissions do not count toward it. Last evaluated 2025-07-29.

Conditions:
Autosomal recessive limb-girdle muscular dystrophy. Identifiers: Orphanet 102015, MedGen C2931907, MONDO:0015152.
Neuromuscular disease caused by qualitative or quantitative defects of dysferlin. Also called: Dysferlinopathy; Qualitative or quantitative defects of dysferlin. Identifiers: Orphanet 207073, MedGen C2931687, MONDO:0016145.

Allele frequency attached by ClinVar (database versions not stated): gnomAD exomes below 0.00001.
gnomAD v4.1: 3 of 1,614,142 alleles (0.00019%); highest among the groups gnomAD compares: Admixed American, 0.0017%; no homozygotes.

Submissions (3):

ClinGen Limb Girdle Muscular Dystrophy Variant Curation Expert Panel, ClinGen
Classification: Pathogenic for Autosomal recessive limb-girdle muscular dystrophy. Last evaluated: 2025-07-29. Review status: reviewed by expert panel. Criteria: ClinGen LGMD VCEP ACMG Specifications DYSF V1.0.0. Collection method: curation. Allele origin: germline. Inheritance: Autosomal recessive inheritance.
Comment: The NM_003494.4: c.895G>C variant in DYSF, which is also known as NM_001130987.2: c.991G>C (p.Gly331Arg), is a missense variant predicted to cause substitution of glycine by arginine at amino acid 299, p.(Gly299Arg). This variant has been reported in at least two individuals with LGMD, where it was confirmed in trans with a pathogenic variant (NM_003494.4: c.4756C>T p.(Arg1586Ter), 1.0 pt, PMID: 17994539; NM_003494.4: c.2077del p.(His693ThrfsTer4), 1.0 pt; PMID: 34559919, 28403181, 27647186) (PM3_Strong). At least one of these patients displayed progressive limb girdle muscle weakness (PMID: 34559919; PP4). The highest frequency for this variant in gnomAD v4.1.0 is 0.00001666 in the Admixed American population (1/60024 chromosomes), which is lower than the LGMD VCEP threshold for PM2_Supporting (0.0001), meeting this criterion (PM2_Supporting). Immunofluorescence and 2-A assays of dysferlin membrane localization in HEK293T cells showed the Gly299Arg protein did not reach the cell membrane, indicating an impact on protein function (PMID: 35028538; PS3_Moderate). The computational predictor REVEL gives a score of 0.968, which is above the LGMD VCEP threshold of 0.70, evidence that correlates with impact to DYSF function (PP3). Another nucleotide change resulting in the same amino acid change, NM_003494.4: c.895G>A p.(Gly299Arg), is classified as pathogenic for autosomal recessive limb girdle muscular dystrophy by the ClinGen LGMD VCEP (PS1). In summary, this variant meets the criteria to be classified as Pathogenic for autosomal recessive limb-girdle muscular dystrophy based on the ACMG/AMP criteria applied, as specified by the ClinGen LGMD VCEP (LGMD VCEP specifications version 1.0.0; 07/29/2025): PM3_Strong, PP4, PM2_Supporting, PS3_Moderate, PP3, PS1.

Myriad Genetics, Inc.
Classification: Likely pathogenic for Autosomal recessive limb-girdle muscular dystrophy. Last evaluated: 2025-07-23. Review status: criteria provided, single submitter. Criteria: Myriad Autosomal Dominant, Autosomal Recessive and X-Linked Classification Criteria (2023). Collection method: clinical testing. Allele origin: unknown. Not counted in ClinVar's aggregate classification.
Comment: NM_003494.3(DYSF):c.895G>C(G299R) is a missense variant classified as likely pathogenic in the context of dysferlinopathy. G299R has been observed in cases with relevant disease (PMID: 27558075, 27647186, 28877744, Gonzales-Quereda_2011_(Thesis)). Relevant functional assessments of this variant are not available in the literature. G299R has been observed in referenced population frequency databases. In summary, NM_003494.3(DYSF):c.895G>C(G299R) is a missense variant that has been observed more frequently in cases with the relevant disease than in healthy populations. Please note: this variant was assessed in the context of healthy population screening.

Labcorp Genetics (formerly Invitae), Labcorp
Classification: Pathogenic for Neuromuscular disease caused by qualitative or quantitative defects of dysferlin. Last evaluated: 2021-01-15. Review status: criteria provided, single submitter. Criteria: Invitae Variant Classification Sherloc (09022015). Collection method: clinical testing. Allele origin: germline. Not counted in ClinVar's aggregate classification.
Comment: For these reasons, this variant has been classified as Pathogenic. This variant has been reported to affect DYSF protein function (PMID: 23185377). This sequence change replaces glycine with arginine at codon 299 of the DYSF protein (p.Gly299Arg). The glycine residue is moderately conserved and there is a moderate physicochemical difference between glycine and arginine. This variant is not present in population databases (ExAC no frequency). This variant has been observed in individual(s) with limb-girdle muscular dystrophy or Miyoshi myopathy (PMID: 17698709, 18306167, 27647186, 28877744). In at least one individual the data is consistent with the variant being in trans (on the opposite chromosome) from a pathogenic variant. It has also been observed to segregate with disease in related individuals. ClinVar contains an entry for this variant (Variation ID: 837557).

Literature cited by the submitters: PubMed 23185377 (cited by Labcorp Genetics (formerly Invitae), Labcorp); PubMed 17698709 (cited by Labcorp Genetics (formerly Invitae), Labcorp); PubMed 18306167 (cited by Labcorp Genetics (formerly Invitae), Labcorp); PubMed 27647186 (cited by Labcorp Genetics (formerly Invitae), Labcorp); PubMed 28877744 (cited by Labcorp Genetics (formerly Invitae), Labcorp).